The following is an entry in ClinVar:

ClinVar aggregate classification (germline): Benign/Likely benign. Review status: criteria provided, multiple submitters, no conflicts (2 of 4 stars). 3 submissions from 3 submitters: Benign (1); Likely benign (2). Last evaluated 2026-01-05.

Conditions:
GPR143-related disorder. Also called: GPR143-related condition.

Allele frequency attached by ClinVar (database versions not stated): 1000 Genomes Project 30x 0.00042; 1000 Genomes Project 0.00053; ESP Exome Variant Server 0.00076; TOPMed 0.00079; gnomAD exomes 0.00090 and 0.00123; gnomAD 0.00102 and 0.00104; ExAC 0.00129.
gnomAD v4.1: 1,434 of 1,209,078 alleles (0.12%); highest among the groups gnomAD compares: Non-Finnish European, 0.15%; 2 homozygotes.

Submissions (3):

Labcorp Genetics (formerly Invitae), Labcorp
Classification: Benign. Last evaluated: 2026-01-05. Review status: criteria provided, single submitter. Criteria: Invitae Variant Classification Sherloc (09022015). Collection method: clinical testing. Allele origin: germline.

PreventionGenetics, part of Exact Sciences
Classification: Likely benign for GPR143-related condition. Last evaluated: 2025-02-04. Review status: criteria provided, single submitter. Criteria: ACMG Guidelines, 2015. Collection method: clinical testing. Allele origin: germline.
Comment: This variant is classified as likely benign based on ACMG/AMP sequence variant interpretation guidelines (Richards et al. 2015 PMID: 25741868, with internal and published modifications).

Blueprint Genetics
Classification: Likely benign. Last evaluated: 2024-10-25. Review status: criteria provided, single submitter. Criteria: ACMG Guidelines, 2015. Collection method: clinical testing. Allele origin: germline.

NM_000273.3(GPR143):c.1079G>A (p.Gly360Asp)

Gene: GPR143 (G protein-coupled receptor 143; minus strand). Cytogenetic location: Xp22.2.
Variant type: single nucleotide variant.
Coding change: c.1079G>A on transcript NM_000273.3 (MANE Select); coding-DNA position 1079, G replaced by A.
Protein change: p.Gly360Asp; replaces glycine 360 with aspartic acid.
Molecular consequence: missense variant.
Genome position (GRCh38, 1-based): chrX:9,739,526, C>T on the plus strand (G>A on the coding strand, the complement: GPR143 is on the minus strand). VCF-style: chrX-9739526-C-T. GRCh37 (hg19) VCF-style: chrX-9707566-C-T.
Other names: short protein forms G360D.
Identifiers: ClinVar variation 778629 (VCV000778629.11), dbSNP rs140873054, ClinGen allele CA10344894.